The following is an entry in ClinVar:

NM_018082.6(POLR3B):c.346G>C (p.Asp116His)

Gene: POLR3B (RNA polymerase III subunit B; plus strand). Cytogenetic location: 12q23.3.
Variant type: single nucleotide variant.
Coding change: c.346G>C on transcript NM_018082.6 (MANE Select); coding-DNA position 346, G replaced by C.
Protein change: p.Asp116His; replaces aspartic acid 116 with histidine.
Molecular consequence: missense variant.
Genome position (GRCh38, 1-based): chr12:106,369,625, G>C. VCF-style: chr12-106369625-G-C. GRCh37 (hg19) VCF-style: chr12-106763403-G-C.
Other names: c.172G>C, p.Asp58His (NM_001160708.2); short protein forms D116H, D58H.
Identifiers: ClinVar variation 4281758 (VCV004281758.1).

ClinVar aggregate classification (germline): Uncertain significance (1 of 4 stars; one submission).

Submission:

GeneDx
Classification: Uncertain significance. Last evaluated: 2025-04-08. Review status: criteria provided, single submitter. Criteria: GeneDx Variant Classification Process June 2021. Collection method: clinical testing. Allele origin: germline. Affected: yes.
Comment: Not observed at significant frequency in large population cohorts (gnomAD); In silico analysis supports that this missense variant has a deleterious effect on protein structure/function; Has not been previously published as pathogenic or benign to our knowledge